The following is an entry in ClinVar:

NM_001128840.3(CACNA1D):c.2435A>T (p.Asp812Val)

Gene: CACNA1D (calcium voltage-gated channel subunit alpha1 D; plus strand). Cytogenetic location: 3p21.1.
Variant type: single nucleotide variant.
Coding change: c.2435A>T on transcript NM_001128840.3 (MANE Select); coding-DNA position 2435, A replaced by T.
Protein change: p.Asp812Val; replaces aspartic acid 812 with valine.
Molecular consequence: missense variant.
Genome position (GRCh38, 1-based): chr3:53,732,044, A>T. VCF-style: chr3-53732044-A-T. GRCh37 (hg19) VCF-style: chr3-53766071-A-T.
Other names: c.2495A>T, p.Asp832Val (NM_000720.4); c.2435A>T, p.Asp812Val (NM_001128839.3); short protein forms D812V, D832V.
Identifiers: ClinVar variation 1326477 (VCV001326477.7), dbSNP rs751240151, ClinGen allele CA2454245.
Genomic context (GRCh38, chr3:53,732,044, plus strand): 5'-CCCCTCCTCCCAAGATGTCTTTGTCATCCTAGGTTACAATTGATGACTATAGAGAAGAGG[A>T]TGAAGACAAGGACCCCTATCCGCCTTGCGATGTGCCAGGTATGGTGGCGGAGGCCGGAGA-3'
Protein context (NP_001122312.1, residues 802-822): KVTIDDYREE[Asp812Val]EDKDPYPPCD

ClinVar aggregate classification (germline): Uncertain significance. Review status: criteria provided, multiple submitters, no conflicts (2 of 4 stars). 3 submissions from 3 submitters: Uncertain significance (3). Last evaluated 2026-02-02.

Allele frequency attached by ClinVar (database versions not stated): ExAC 0.00002; TOPMed 0.00003; gnomAD 0.00001; gnomAD exomes 0.00001.
gnomAD v4.1: 8 of 1,612,298 alleles (0.0005%); highest among the groups gnomAD compares: African/African-American, 0.0093%; no homozygotes.

Submissions (3):

Labcorp Genetics (formerly Invitae), Labcorp
Classification: Uncertain significance. Last evaluated: 2026-02-02. Review status: criteria provided, single submitter. Criteria: Invitae Variant Classification Sherloc (09022015). Collection method: clinical testing. Allele origin: germline.
Comment: This sequence change replaces aspartic acid, which is acidic and polar, with valine, which is neutral and non-polar, at codon 832 of the CACNA1D protein (p.Asp832Val). This variant is present in population databases (rs751240151, gnomAD 0.01%). This variant has not been reported in the literature in individuals affected with CACNA1D-related conditions. ClinVar contains an entry for this variant (Variation ID: 1326477). Invitae Evidence Modeling of protein sequence and biophysical properties (such as structural, functional, and spatial information, amino acid conservation, physicochemical variation, residue mobility, and thermodynamic stability) indicates that this missense variant is not expected to disrupt CACNA1D protein function with a negative predictive value of 80%. In summary, the available evidence is currently insufficient to determine the role of this variant in disease. Therefore, it has been classified as a Variant of Uncertain Significance.

Dasa
Classification: Uncertain significance. Last evaluated: 2025-08-17. Review status: criteria provided, single submitter. Criteria: DASA Assertion Criteria. Collection method: clinical testing. Allele origin: germline.
Comment: NM_001128840.3(CACNA1D):c.2435A>T (p.Asp812Val) is a missense variant that results in the substitution of aspartic acid with valine. This variant is rare in population databases. The currently available literature and clinical evidence are not sufficient to establish a definitive association between this variant and the reported condition. Therefore, this variant is classified as a variant of uncertain significance.

GeneDx
Classification: Uncertain significance. Last evaluated: 2021-05-25. Review status: criteria provided, single submitter. Criteria: GeneDx Variant Classification Process June 2021. Collection method: clinical testing. Allele origin: germline. Affected: yes.